The following is an entry in ClinVar:

ClinVar aggregate classification (germline): Uncertain significance. Review status: criteria provided, multiple submitters, no conflicts (2 of 4 stars). 2 submissions from 2 submitters: Uncertain significance (2). Last evaluated 2021-12-03.

Conditions:
Inborn genetic diseases. Identifiers: MedGen C0950123, MeSH D030342.

Allele frequency attached by ClinVar (database versions not stated): gnomAD exomes 0.00001; gnomAD 0.00003; TOPMed 0.00003.
gnomAD v4.1: 14 of 1,209,825 alleles (0.0012%); highest among the groups gnomAD compares: Non-Finnish European, 0.0015%; no homozygotes.

Submissions (2):

Ambry Genetics
Classification: Uncertain significance for Inborn genetic diseases. Last evaluated: 2021-12-03. Review status: criteria provided, single submitter. Criteria: Ambry Variant Classification Scheme 2023. Collection method: clinical testing. Allele origin: germline.

Labcorp Genetics (formerly Invitae), Labcorp
Classification: Uncertain significance. Last evaluated: 2021-08-26. Review status: criteria provided, single submitter. Criteria: Invitae Variant Classification Sherloc (09022015). Collection method: clinical testing. Allele origin: germline.
Comment: This sequence change replaces histidine with leucine at codon 618 of the FRMD7 protein (p.His618Leu). The histidine residue is weakly conserved and there is a moderate physicochemical difference between histidine and leucine. This variant is not present in population databases (ExAC no frequency). This variant has not been reported in the literature in individuals affected with FRMD7-related conditions. Algorithms developed to predict the effect of missense changes on protein structure and function (SIFT, PolyPhen-2, Align-GVGD) all suggest that this variant is likely to be tolerated. In summary, the available evidence is currently insufficient to determine the role of this variant in disease. Therefore, it has been classified as a Variant of Uncertain Significance.

NM_194277.3(FRMD7):c.1853A>T (p.His618Leu)

Gene: FRMD7 (FERM domain containing 7; minus strand). Cytogenetic location: Xq26.2.
Variant type: single nucleotide variant.
Coding change: c.1853A>T on transcript NM_194277.3 (MANE Select); coding-DNA position 1853, A replaced by T.
Protein change: p.His618Leu; replaces histidine 618 with leucine.
Molecular consequence: missense variant.
Genome position (GRCh38, 1-based): chrX:132,078,164, T>A on the plus strand (A>T on the coding strand, the complement: FRMD7 is on the minus strand). VCF-style: chrX-132078164-T-A. GRCh37 (hg19) VCF-style: chrX-131212192-T-A.
Other names: c.1808A>T, p.His603Leu (NM_001306193.2); c.1853A>T (NM_194277.2); short protein forms H603L, H618L.
Identifiers: ClinVar variation 1047184 (VCV001047184.8), dbSNP rs1374041967, ClinGen allele CA414678153.